The following is an entry in ClinVar:

ClinVar aggregate classification (germline): Uncertain significance. Review status: criteria provided, multiple submitters, no conflicts (2 of 4 stars). 2 submissions from 2 submitters: Uncertain significance (2). Last evaluated 2026-08-17.

Conditions:
ACAN-related disorder. Also called: ACAN-related disorders; ACAN-related condition.
Inborn genetic diseases. Identifiers: MedGen C0950123, MeSH D030342.

Allele frequency attached by ClinVar (database versions not stated): gnomAD 0.00002; TOPMed 0.00007.

Submissions (2):

PreventionGenetics, part of Exact Sciences
Classification: Uncertain significance for ACAN-related condition. Last evaluated: 2026-08-17. Review status: criteria provided, single submitter. Criteria: ACMG Guidelines, 2015. Collection method: clinical testing. Allele origin: germline.
Comment: The ACAN c.881T>C variant is predicted to result in the amino acid substitution p.Met294Thr. To our knowledge, this variant has not been reported in the literature or in a large population database (gnomAD), indicating this variant is rare. At this time, the clinical significance of this variant is uncertain due to the absence of conclusive functional and genetic evidence.

Ambry Genetics
Classification: Uncertain significance for Inborn genetic diseases. Last evaluated: 2021-08-02. Review status: criteria provided, single submitter. Criteria: Ambry Variant Classification Scheme 2023. Collection method: clinical testing. Allele origin: germline.

NM_001369268.1(ACAN):c.881T>C (p.Met294Thr)

Gene: ACAN (aggrecan; plus strand). Cytogenetic location: 15q26.1.
Variant type: single nucleotide variant.
Coding change: c.881T>C on transcript NM_001369268.1 (MANE Select); coding-DNA position 881, T replaced by C.
Protein change: p.Met294Thr; replaces methionine 294 with threonine.
Molecular consequence: missense variant.
Genome position (GRCh38, 1-based): chr15:88,843,478, T>C. VCF-style: chr15-88843478-T-C. GRCh37 (hg19) VCF-style: chr15-89386709-T-C.
Other names: c.881T>C, p.Met294Thr (NM_001135.4, NM_001411096.1, NM_001411097.1 and 1 more transcripts); short protein forms M294T.
Identifiers: ClinVar variation 2372991 (VCV002372991.3), dbSNP rs1896716468, ClinGen allele CA393707745.